The following is an entry in ClinVar:

NM_014370.4(SRPK3):c.203_204del (p.Pro68fs)

Gene: SRPK3 (SRSF protein kinase 3; plus strand). Cytogenetic location: Xq28.
Variant type: Deletion.
Coding change: c.203_204del on transcript NM_014370.4 (MANE Select); coding-DNA positions 203 to 204, 2 bases deleted (CT; older notation c.203_204delCT).
Protein change: p.Pro68fs; shifts the reading frame from proline 68.
Molecular consequence: frameshift variant.
Genome position (GRCh38, 1-based): chrX:153,781,517-153,781,518, CT deleted. VCF-style (leftmost placement, unchanged base first): chrX-153781516-CCT-C. GRCh37 (hg19) VCF-style: chrX-153046971-CCT-C.
Other names: c.203_204del, p.Pro68fs (NM_001170760.2, NM_001170761.2); short protein forms P68fs.
Identifiers: ClinVar variation 3341103 (VCV003341103.2).
Genomic context (GRCh38, chrX:153,781,516, plus strand): 5'-CAGGGGAGTGAGAACCCCCTCCACCCCAATCTACATCTCCCCTGGGCAGGCGGCTACCAC[CCT>C]GTGAAGATCGGCGACGTGTTCAATGGGCGGTACCACGTGGTGCGCAAACTGGGCTGGGGC-3'

ClinVar aggregate classification (germline): Pathogenic (1 of 4 stars; one submission).

Conditions:
Congenital myopathy. Identifiers: Orphanet 97245, MedGen C0270960, MONDO:0019952.

Submission:

Neurogenetics, Research Centre for Medical Genetics
Classification: Pathogenic for Congenital myopathy. Last evaluated: 2024-09-19. Review status: criteria provided, single submitter. Criteria: ACMG Guidelines, 2015. Collection method: clinical testing. Allele origin: maternal. Inheritance: Oligogenic inheritance. Affected: yes. Observed: 1 hemizygote.
Comment: Also both siblings had heterozygous LoF-variant in the TTN gene (NM_001267550.2:c.42521G>A, p.(Trp14174Ter)).

Literature cited by the submitters: DOI 10.1038/s41588-023-01651-0.